The following is an entry in ClinVar:

ClinVar aggregate classification (germline): Likely benign (0 of 4 stars; one submission).

Conditions:
TBX15-related disorder. Also called: TBX15-related condition.

gnomAD v4.1: 2 of 1,614,044 alleles (0.00012%); highest among the groups gnomAD compares: Non-Finnish European, 0.00017%; no homozygotes.

Submission:

PreventionGenetics, part of Exact Sciences
Classification: Likely benign for TBX15-related condition. Last evaluated: 2019-12-06. Review status: no assertion criteria provided. Collection method: clinical testing. Allele origin: germline.
Comment: This variant is classified as likely benign based on ACMG/AMP sequence variant interpretation guidelines (Richards et al. 2015 PMID: 25741868, with internal and published modifications).

NM_001330677.2(TBX15):c.1269G>A (p.Arg423=)

Gene: TBX15 (T-box transcription factor 15; minus strand). Cytogenetic location: 1p12.
Variant type: single nucleotide variant.
Coding change: c.1269G>A on transcript NM_001330677.2 (MANE Select); coding-DNA position 1269, G replaced by A.
Protein change: p.Arg423=; no amino-acid change (arginine 423 retained).
Molecular consequence: synonymous variant.
Genome position (GRCh38, 1-based): chr1:118,885,272, C>T on the plus strand (G>A on the coding strand, the complement: TBX15 is on the minus strand). VCF-style: chr1-118885272-C-T. GRCh37 (hg19) VCF-style: chr1-119427895-C-T.
Other names: c.951G>A, p.Arg317= (NM_152380.3).
Identifiers: ClinVar variation 3354184 (VCV003354184.1).